The following is an entry in ClinVar:

ClinVar aggregate classification (germline): Uncertain significance (1 of 4 stars; one submission).

Conditions:
Developmental and epileptic encephalopathy, 36 (DEE36). Also called: Epileptic encephalopathy, early infantile, 36; Congenital disorder of glycosylation, type Is; ALG13-CDG. Identifiers: Orphanet 324422, MedGen C4317295, MONDO:0010472, OMIM 300884.

gnomAD v4.1: 1 of 1,211,745 alleles (0.000083%); no homozygotes.

Submission:

Labcorp Genetics (formerly Invitae), Labcorp
Classification: Uncertain significance for Developmental and epileptic encephalopathy, 36. Last evaluated: 2022-11-01. Review status: criteria provided, single submitter. Criteria: Invitae Variant Classification Sherloc (09022015). Collection method: clinical testing. Allele origin: germline.
Comment: In summary, the available evidence is currently insufficient to determine the role of this variant in disease. Therefore, it has been classified as a Variant of Uncertain Significance. Advanced modeling of protein sequence and biophysical properties (such as structural, functional, and spatial information, amino acid conservation, physicochemical variation, residue mobility, and thermodynamic stability) performed at Invitae indicates that this missense variant is not expected to disrupt ALG13 protein function. ClinVar contains an entry for this variant (Variation ID: 1379963). This variant has not been reported in the literature in individuals affected with ALG13-related conditions. This variant is not present in population databases (gnomAD no frequency). This sequence change replaces leucine, which is neutral and non-polar, with valine, which is neutral and non-polar, at codon 615 of the ALG13 protein (p.Leu615Val).

NM_001099922.3(ALG13):c.1843C>G (p.Leu615Val)

Gene: ALG13 (ALG13 UDP-N-acetylglucosaminyltransferase subunit; plus strand). Cytogenetic location: Xq23.
Variant type: single nucleotide variant.
Coding change: c.1843C>G on transcript NM_001099922.3 (MANE Select); coding-DNA position 1843, C replaced by G.
Protein change: p.Leu615Val; replaces leucine 615 with valine.
Molecular consequence: missense variant. On other transcripts: non-coding transcript variant (1).
Genome position (GRCh38, 1-based): chrX:111,726,922, C>G. VCF-style: chrX-111726922-C-G. GRCh37 (hg19) VCF-style: chrX-110970150-C-G.
Other names: c.1609C>G, p.Leu537Val (NM_001257231.2); c.1531C>G, p.Leu511Val (NM_001257234.2, NM_001257237.2, NM_001257230.2); c.1843C>G, p.Leu615Val (NM_001324292.2); c.1357C>G, p.Leu453Val (NM_001324293.1); short protein forms L537V, L453V, L511V, L615V.
Identifiers: ClinVar variation 1379963 (VCV001379963.6), dbSNP rs374231091, ClinGen allele CA414252666.
Genomic context (GRCh38, chrX:111,726,922, plus strand): 5'-GGGAAAGAAGTTTACATGACTATGGCTTACGGCAAGGGAGACCCCCTCCTCCCACCCAGG[C>G]TGCAGCACAGTATGCATTATGGGCACGATCCTCCAATGCACTACTCACAGACAGCTGGCA-3'
Protein context (NP_001093392.1, residues 605-625): GKGDPLLPPR[Leu615Val]QHSMHYGHDP